The following is an entry in ClinVar:

ClinVar aggregate classification (germline): Benign/Likely benign. Review status: criteria provided, multiple submitters, no conflicts (2 of 4 stars). 4 submissions from 4 submitters: Benign (2); Likely benign (2). Last evaluated 2026-01-13.

Conditions:
Duchenne muscular dystrophy (DMD). Also called: MUSCULAR DYSTROPHY, PSEUDOHYPERTROPHIC PROGRESSIVE, DUCHENNE TYPE; Duchenne Muscular Dystrophy (DMD). Identifiers: Orphanet 98896, MedGen C0013264, MONDO:0010679, OMIM 310200.

Allele frequency attached by ClinVar (database versions not stated): gnomAD exomes 0.00013 and 0.00019; 1000 Genomes Project 30x 0.00021; 1000 Genomes Project 0.00026; ExAC 0.00039; gnomAD 0.00046 and 0.00052; TOPMed 0.00054; ESP Exome Variant Server 0.00076.
gnomAD v4.1: 200 of 1,177,014 alleles (0.017%); highest among the groups gnomAD compares: African/African-American, 0.14%; no homozygotes.

Submissions (4):

Labcorp Genetics (formerly Invitae), Labcorp
Classification: Benign for Duchenne muscular dystrophy. Last evaluated: 2026-01-13. Review status: criteria provided, single submitter. Criteria: Invitae Variant Classification Sherloc (09022015). Collection method: clinical testing. Allele origin: germline.

Blueprint Genetics
Classification: Likely benign. Last evaluated: 2024-08-22. Review status: criteria provided, single submitter. Criteria: ACMG Guidelines, 2015. Collection method: clinical testing. Allele origin: germline.

Women's Health and Genetics/Laboratory Corporation of America, LabCorp
Classification: Benign. Last evaluated: 2023-08-19. Review status: criteria provided, single submitter. Criteria: LabCorp Variant Classification Summary - May 2015. Collection method: clinical testing. Allele origin: germline.

GeneDx
Classification: Likely benign. Last evaluated: 2017-04-28. Review status: criteria provided, single submitter. Criteria: GeneDx Variant Classification (06012015). Collection method: clinical testing. Allele origin: germline. Affected: yes.
Comment: This variant is considered likely benign or benign based on one or more of the following criteria: it is a conservative change, it occurs at a poorly conserved position in the protein, it is predicted to be benign by multiple in silico algorithms, and/or has population frequency not consistent with disease.

NM_004006.3(DMD):c.832-20C>T

Gene: DMD (dystrophin; minus strand). Cytogenetic location: Xp21.1.
Variant type: single nucleotide variant.
Coding change: c.832-20C>T on transcript NM_004006.3 (MANE Select); 20 bases into the intron before coding-DNA position 832, C replaced by T.
Molecular consequence: intron variant.
Genome position (GRCh38, 1-based): chrX:32,698,018, G>A on the plus strand (C>T on the coding strand, the complement: DMD is on the minus strand). VCF-style: chrX-32698018-G-A. GRCh37 (hg19) VCF-style: chrX-32716135-G-A.
Other names: c.808-20C>T (NM_000109.4); c.820-20C>T (NM_004009.3); c.463-20C>T (NM_004010.3).
Identifiers: ClinVar variation 379176 (VCV000379176.11), dbSNP rs201026834, ClinGen allele CA10380050.